The following is an entry in ClinVar:

ClinVar aggregate classification (germline): Uncertain significance (1 of 4 stars; one submission).

Conditions:
Hereditary cancer-predisposing syndrome. Also called: Neoplastic Syndromes, Hereditary; Tumor predisposition; Hereditary neoplastic syndrome; Hereditary Cancer Syndrome. Identifiers: Orphanet 140162, MedGen C0027672, MeSH D009386, MONDO:0015356.

Submission:

Ambry Genetics
Classification: Uncertain significance for Hereditary cancer-predisposing syndrome. Last evaluated: 2026-08-31. Review status: criteria provided, single submitter. Criteria: Ambry Variant Classification Scheme 2023. Collection method: clinical testing. Allele origin: germline.
Comment: The p.I371N variant (also known as c.1112T>A), located in coding exon 6 of the KIT gene, results from a T to A substitution at nucleotide position 1112. The isoleucine at codon 371 is replaced by asparagine, an amino acid with dissimilar properties. This amino acid position is conserved. In addition, this alteration is predicted to be tolerated by in silico analysis. Based on the available evidence, the clinical significance of this variant remains unclear.

NM_000222.3(KIT):c.1112T>A (p.Ile371Asn)

Gene: KIT (KIT proto-oncogene, receptor tyrosine kinase; plus strand). Cytogenetic location: 4q12.
Variant type: single nucleotide variant.
Coding change: c.1112T>A on transcript NM_000222.3 (MANE Select); coding-DNA position 1112, T replaced by A.
Protein change: p.Ile371Asn; replaces isoleucine 371 with asparagine.
Molecular consequence: missense variant.
Genome position (GRCh38, 1-based): chr4:54,707,284, T>A. VCF-style: chr4-54707284-T-A. GRCh37 (hg19) VCF-style: chr4-55573450-T-A.
Other names: c.1112T>A, p.Ile371Asn (NM_001093772.2, NM_001385285.1, NM_001385286.1); c.1115T>A, p.Ile372Asn (NM_001385284.1, NM_001385288.1, NM_001385290.1 and 1 more transcripts); short protein forms I371N, I372N.
Identifiers: ClinVar variation 5023341 (VCV005023341.1).